The following is an entry in ClinVar:

NM_000352.6(ABCC8):c.3951C>G (p.Leu1317=)

Gene: ABCC8 (ATP binding cassette subfamily C member 8; minus strand). Cytogenetic location: 11p15.1.
Variant type: single nucleotide variant.
Coding change: c.3951C>G on transcript NM_000352.6 (MANE Select); coding-DNA position 3951, C replaced by G.
Protein change: p.Leu1317=; no amino-acid change (leucine 1317 retained).
Molecular consequence: synonymous variant. On other transcripts: non-coding transcript variant (1).
Genome position (GRCh38, 1-based): chr11:17,397,230, G>C on the plus strand (C>G on the coding strand, the complement: ABCC8 is on the minus strand). VCF-style: chr11-17397230-G-C. GRCh37 (hg19) VCF-style: chr11-17418777-G-C.
Other names: c.3954C>G, p.Leu1318= (NM_001287174.3); c.4017C>G, p.Leu1339= (NM_001351295.2); c.3951C>G, p.Leu1317= (NM_001351296.2); c.3948C>G, p.Leu1316= (NM_001351297.2).
Identifiers: ClinVar variation 303757 (VCV000303757.19), dbSNP rs765708759, ClinGen allele CA5902636.

ClinVar aggregate classification (germline): Conflicting classifications of pathogenicity. Review status: criteria provided, conflicting classifications (1 of 4 stars). 8 submissions from 5 submitters: Uncertain significance (4); Benign (2); Likely benign (2). Last evaluated 2026-01-28.

Conditions:
Inborn genetic diseases. Identifiers: MedGen C0950123, MeSH D030342.
Maturity-onset diabetes of the young (MODY). Also called: Maturity onset diabetes mellitus in young. Identifiers: Orphanet 552, MedGen C0342276, MONDO:0018911, HP:0004904.
Diabetes mellitus, transient neonatal, 2 (TNDM2). Identifiers: Orphanet 99886, MedGen C1835887, MONDO:0012480, OMIM 610374. Disease mechanism: loss of function.
Hyperinsulinemic hypoglycemia, familial, 1 (HHF1). Also called: HYPERINSULINISM, FAMILIAL, WITH PANCREATIC NESIDIOBLASTOSIS; HYPOGLYCEMIA, HYPERINSULINEMIC, OF INFANCY; Persistent hyperinsulinemic hypoglycemia of infancy; NESIDIOBLASTOSIS OF PANCREAS; Persistent Hyperinsulinemia Hypoglycemia of Infancy. Identifiers: Orphanet 276575, Orphanet 276598, MedGen C2931832, MONDO:0009734, OMIM 256450.
Permanent neonatal diabetes mellitus (PNDM). Identifiers: Orphanet 99885, MedGen C1833104, MONDO:0100164, MONDO:0011643. Disease mechanism: gain of function.
Transitory neonatal diabetes mellitus. Also called: Transient neonatal diabetes mellitus. Identifiers: MedGen C0342273, MONDO:0020525, HP:0008255.

Allele frequency attached by ClinVar (database versions not stated): TOPMed below 0.00001; gnomAD 0.00001 and 0.00003; gnomAD exomes 0.00012 and 0.00021; ExAC 0.00024.
gnomAD v4.1: 182 of 1,613,740 alleles (0.011%); highest among the groups gnomAD compares: South Asian, 0.15%; 1 homozygote.

Submissions (8):

Labcorp Genetics (formerly Invitae), Labcorp
Classification: Benign. Last evaluated: 2026-01-28. Review status: criteria provided, single submitter. Criteria: Invitae Variant Classification Sherloc (09022015). Collection method: clinical testing. Allele origin: germline.

Blueprint Genetics
Classification: Likely benign. Last evaluated: 2024-10-11. Review status: criteria provided, single submitter. Criteria: ACMG Guidelines, 2015. Collection method: clinical testing. Allele origin: germline.

Ambry Genetics
Classification: Likely benign for Inborn genetic diseases. Last evaluated: 2020-11-02. Review status: criteria provided, single submitter. Criteria: Ambry Variant Classification Scheme 2023. Collection method: clinical testing. Allele origin: germline.

Illumina Laboratory Services, Illumina
Classification: Uncertain significance for Hyperinsulinemic hypoglycemia, familial, 1. Last evaluated: 2018-01-13. Review status: criteria provided, single submitter. Criteria: ICSL Variant Classification Criteria 13 December 2019. Collection method: clinical testing. Allele origin: germline.

Illumina Laboratory Services, Illumina
Classification: Benign for Diabetes mellitus, transient neonatal, 2. Last evaluated: 2018-01-13. Review status: criteria provided, single submitter. Criteria: ICSL Variant Classification Criteria 13 December 2019. Collection method: clinical testing. Allele origin: germline.
Comment: This variant was observed in the ICSL laboratory as part of a predisposition screen in an ostensibly healthy population. It had not been previously curated by ICSL or reported in the Human Gene Mutation Database (HGMD: prior to June 1st, 2018), and was therefore a candidate for classification through an automated scoring system. Utilizing variant allele frequency, disease prevalence and penetrance estimates, and inheritance mode, an automated score was calculated to assess if this variant is too frequent to cause the disease. Based on the score and internal cut-off values, a variant classified as benign is not then subjected to further curation. The score for this variant resulted in a classification of benign for this disease.

Illumina Laboratory Services, Illumina
Classification: Uncertain significance for Permanent neonatal diabetes mellitus 1. Last evaluated: 2018-01-13. Review status: criteria provided, single submitter. Criteria: ICSL Variant Classification Criteria 13 December 2019. Collection method: clinical testing. Allele origin: germline.

Clinical Genomics, Uppaluri K&H Personalized Medicine Clinic
Classification: Uncertain significance for Transitory neonatal diabetes mellitus. Review status: criteria provided, single submitter. Criteria: K & H Uppaluri Personalized Medicine Clinic Variant Classification & Assertion Criteria_Updated V.1. Collection method: research. Allele origin: somatic. Inheritance: Somatic mutation.
Comment: Mutations in ABCC8 gene are associated with both neonatal diabetes mellitus as well as MODY. Patients with this mutation may have a better response to sulfonylureas. However, no sufficient evidence is found to ascertain the role of this particular variant (rs765708759) in neonatal diabetes yet.

Clinical Genomics, Uppaluri K&H Personalized Medicine Clinic
Classification: Uncertain significance for Maturity-onset diabetes of the young. Review status: criteria provided, single submitter. Criteria: K & H Uppaluri Personalized Medicine Clinic Variant Classification & Assertion Criteria_Updated V.1. Collection method: research. Allele origin: somatic. Inheritance: Somatic mutation.
Comment: Mutations in ABCC8 gene are associated with both neonatal diabetes mellitus as well as MODY. Patients with this mutation may have a better response to sulfonylureas. However, no sufficient evidence is found to ascertain the role of this particular variant (rs765708759) in MODY yet.

Literature cited by the submitters: PubMed 16885549 (cited by Clinical Genomics, Uppaluri K&H Personalized Medicine Clinic); PubMed 21989597 (cited by Clinical Genomics, Uppaluri K&H Personalized Medicine Clinic); PubMed 27538677 (cited by Clinical Genomics, Uppaluri K&H Personalized Medicine Clinic); PubMed 18981553 (cited by Clinical Genomics, Uppaluri K&H Personalized Medicine Clinic); PubMed 32027066 (cited by Clinical Genomics, Uppaluri K&H Personalized Medicine Clinic); PubMed 16613899 (cited by Clinical Genomics, Uppaluri K&H Personalized Medicine Clinic); PubMed 18025408 (cited by Clinical Genomics, Uppaluri K&H Personalized Medicine Clinic); PubMed 32792356 (cited by Clinical Genomics, Uppaluri K&H Personalized Medicine Clinic).